The following is an entry in ClinVar:

ClinVar aggregate classification (germline): Uncertain significance (1 of 4 stars; one submission).

Allele frequency attached by ClinVar (database versions not stated): gnomAD 0.00003; TOPMed 0.00007.
gnomAD v4.1: 4 of 1,613,862 alleles (0.00025%); highest among the groups gnomAD compares: African/African-American, 0.0053%; no homozygotes.

Submission:

Ambry Genetics
Classification: Uncertain significance. Last evaluated: 2024-11-17. Review status: criteria provided, single submitter. Criteria: Ambry Variant Classification Scheme 2023. Collection method: clinical testing. Allele origin: germline.
Comment: The p.L840V variant (also known as c.2518C>G), located in coding exon 1 of the TET2 gene, results from a C to G substitution at nucleotide position 2518. The leucine at codon 840 is replaced by valine, an amino acid with highly similar properties. This amino acid position is conserved. In addition, this alteration is predicted to be tolerated by in silico analysis. Based on the available evidence, the clinical significance of this variant remains unclear.

NM_001127208.3(TET2):c.2518C>G (p.Leu840Val)

Genes: TET2 (tet methylcytosine dioxygenase 2; plus strand), TET2-AS1 (TET2 antisense RNA 1; minus strand). Cytogenetic location: 4q24.
Variant type: single nucleotide variant.
Coding change: c.2518C>G on transcript NM_001127208.3 (MANE Select); coding-DNA position 2518, C replaced by G.
Protein change: p.Leu840Val; replaces leucine 840 with valine.
Molecular consequence: missense variant.
Genome position (GRCh38, 1-based): chr4:105,236,460, C>G. VCF-style: chr4-105236460-C-G. GRCh37 (hg19) VCF-style: chr4-106157617-C-G.
Other names: c.2518C>G, p.Leu840Val (NM_017628.4); short protein forms L840V.
Identifiers: ClinVar variation 3176234 (VCV003176234.2), dbSNP rs1053213074, ClinGen allele CA102752808.